The following is an entry in ClinVar:

ClinVar aggregate classification (germline): Conflicting classifications of pathogenicity. Review status: criteria provided, conflicting classifications (1 of 4 stars). 3 submissions from 3 submitters: Uncertain significance (2); Likely benign (1). Last evaluated 2025-08-13.

Conditions:
Hereditary cancer-predisposing syndrome. Also called: Hereditary neoplastic syndrome; Hereditary Cancer Syndrome; Neoplastic Syndromes, Hereditary; Tumor predisposition. Identifiers: Orphanet 140162, MedGen C0027672, MeSH D009386, MONDO:0015356.
Hereditary breast ovarian cancer syndrome. Also called: Hereditary breast and ovarian cancer syndrome; Hereditary breast and ovarian cancer syndrome (HBOC); Breast and ovarian cancer; Hereditary breast and/or ovarian cancer syndrome; Hereditary breast and ovarian cancer; BRCA1- and BRCA2-Associated Hereditary Breast and Ovarian Cancer. Identifiers: Orphanet 145, MedGen C0677776, MeSH D061325, MONDO:0003582. Disease mechanism: loss of function.

Allele frequency attached by ClinVar (database versions not stated): TOPMed below 0.00001; gnomAD 0.00001.
gnomAD v4.1: 1 of 1,613,588 alleles (0.000062%); highest among the groups gnomAD compares: Non-Finnish European, 0.000085%; no homozygotes.

Submissions (3):

Labcorp Genetics (formerly Invitae), Labcorp
Classification: Uncertain significance for Hereditary breast ovarian cancer syndrome. Last evaluated: 2025-08-13. Review status: criteria provided, single submitter. Criteria: Invitae Variant Classification Sherloc (09022015). Collection method: clinical testing. Allele origin: germline.
Comment: This sequence change replaces serine, which is neutral and polar, with arginine, which is basic and polar, at codon 2810 of the BRCA2 protein (p.Ser2810Arg). This variant is not present in population databases (gnomAD no frequency). This variant has not been reported in the literature in individuals affected with BRCA2-related conditions. ClinVar contains an entry for this variant (Variation ID: 230292). Invitae Evidence Modeling of protein sequence and biophysical properties (such as structural, functional, and spatial information, amino acid conservation, physicochemical variation, residue mobility, and thermodynamic stability) indicates that this missense variant is not expected to disrupt BRCA2 protein function with a negative predictive value of 95%. In summary, the available evidence is currently insufficient to determine the role of this variant in disease. Therefore, it has been classified as a Variant of Uncertain Significance.

Ambry Genetics
Classification: Likely benign for Hereditary cancer-predisposing syndrome. Last evaluated: 2025-05-08. Review status: criteria provided, single submitter. Criteria: Ambry Variant Classification Scheme 2023. Collection method: clinical testing. Allele origin: germline.

Color Diagnostics, LLC DBA Color Health
Classification: Uncertain significance for Hereditary cancer-predisposing syndrome. Last evaluated: 2021-03-22. Review status: criteria provided, single submitter. Criteria: ACMG Guidelines, 2015. Collection method: clinical testing. Allele origin: germline.
Comment: This missense variant replaces serine with arginine at codon 2810 of the BRCA2 protein. Computational prediction suggests that this variant may not impact protein structure and function (internally defined REVEL score threshold <= 0.5, PMID: 27666373). To our knowledge, functional studies have not been reported for this variant. This variant has not been reported in individuals affected with hereditary cancer in the literature. This variant has not been identified in the general population by the Genome Aggregation Database (gnomAD). The available evidence is insufficient to determine the role of this variant in disease conclusively. Therefore, this variant is classified as a Variant of Uncertain Significance.

NM_000059.4(BRCA2):c.8430T>G (p.Ser2810Arg)

Gene: BRCA2 (BRCA2 DNA repair associated; plus strand). Cytogenetic location: 13q13.1.
Variant type: single nucleotide variant.
Coding change: c.8430T>G on transcript NM_000059.4 (MANE Select); coding-DNA position 8430, T replaced by G.
Protein change: p.Ser2810Arg; replaces serine 2810 with arginine.
Molecular consequence: missense variant.
Genome position (GRCh38, 1-based): chr13:32,370,500, T>G. VCF-style: chr13-32370500-T-G. GRCh37 (hg19) VCF-style: chr13-32944637-T-G.
Other names: short protein forms S2810R.
Identifiers: ClinVar variation 230292 (VCV000230292.9), dbSNP rs876658487, ClinGen allele CA10579785.